The following is an entry in ClinVar:

NM_000038.6(APC):c.730-3_730-2dup

Gene: APC (APC regulator of Wnt signaling pathway; plus strand). Cytogenetic location: 5q22.2.
Variant type: Duplication.
Coding change: c.730-3_730-2dup on transcript NM_000038.6 (MANE Select); 3 bases into the intron before coding-DNA position 730 through the canonical splice acceptor site of the intron before coding-DNA position 730, 2 bases duplicated (CA; older notation c.730-3_730-2dupCA).
Molecular consequence: splice acceptor variant.
Genome position (GRCh38, 1-based): chr5:112,801,276-112,801,277, CA duplicated; duplicating any 2 consecutive bases within chr5:112,801,275-112,801,277 gives the same sequence; the c. name uses the placement nearest the transcript's 3' end. VCF-style (leftmost placement, unchanged base first): chr5-112801274-A-AAC. GRCh37 (hg19) VCF-style: chr5-112136971-A-AAC.
Other names: c.730-3_730-2dupCA (NM_000038.5); c.730-3_730-2dup (NM_001354895.2, NM_001127510.3, NM_001354896.2 and 1 more transcripts); c.760-3_760-2dup (NM_001354897.2, NM_001354902.2); c.676-3_676-2dup (NM_001127511.3); c.655-3_655-2dup (NM_001354898.2, NM_001354904.2); c.-306-3_-306-2dup (NM_001354906.2); c.646-3_646-2dup (NM_001354899.2); c.553-3_553-2dup (NM_001354900.2, NM_001354901.2, NM_001354905.2).
Identifiers: ClinVar variation 1437889 (VCV001437889.9), dbSNP rs2149711266, ClinGen allele CA2573138907.

ClinVar aggregate classification (germline): Uncertain significance. Review status: criteria provided, multiple submitters, no conflicts (2 of 4 stars). 2 submissions from 2 submitters: Uncertain significance (2). Last evaluated 2023-10-03.

Conditions:
Hereditary cancer-predisposing syndrome. Also called: Neoplastic Syndromes, Hereditary; Hereditary Cancer Syndrome; Hereditary neoplastic syndrome; Tumor predisposition. Identifiers: Orphanet 140162, MedGen C0027672, MeSH D009386, MONDO:0015356.
Familial adenomatous polyposis 1 (FAP1). Also called: FAMILIAL ADENOMATOUS POLYPOSIS 1, ATTENUATED; POLYPOSIS, ADENOMATOUS INTESTINAL. Identifiers: MedGen C2713442, MONDO:0021056, OMIM 175100. Disease mechanism: loss of function.

Submissions (2):

Ambry Genetics
Classification: Uncertain significance for Hereditary cancer-predisposing syndrome. Last evaluated: 2023-10-03. Review status: criteria provided, single submitter. Criteria: Ambry Variant Classification Scheme 2023. Collection method: clinical testing. Allele origin: germline.
Comment: The c.730-3_730-2dupCA intronic variant begins 3 nucleotide(s) before coding exon 7 in the APC gene. This variant results from a duplication of 2 nucleotides at positions c.730-3 to c.730-2. This nucleotide position is well conserved in available vertebrate species. In silico splice site analysis predicts that this alteration will not have any significant effect on splicing. Since supporting evidence is limited at this time, the clinical significance of this alteration remains unclear.

Labcorp Genetics (formerly Invitae), Labcorp
Classification: Uncertain significance for Familial adenomatous polyposis 1. Last evaluated: 2021-05-19. Review status: criteria provided, single submitter. Criteria: Invitae Variant Classification Sherloc (09022015). Collection method: clinical testing. Allele origin: germline.
Comment: This variant is not present in population databases (ExAC no frequency). This sequence change falls in intron 7 of the APC gene. It does not directly change the encoded amino acid sequence of the APC protein. This variant has not been reported in the literature in individuals with APC-related conditions. Algorithms developed to predict the effect of sequence changes on RNA splicing suggest that this variant may disrupt the consensus splice site, but this prediction has not been confirmed by published transcriptional studies. In summary, the available evidence is currently insufficient to determine the role of this variant in disease. Therefore, it has been classified as a Variant of Uncertain Significance.